The following is an entry in ClinVar:

NM_001104631.2(PDE4D):c.1163C>G (p.Thr388Ser)

Gene: PDE4D (phosphodiesterase 4D; minus strand). Cytogenetic location: 5q11.2.
Variant type: single nucleotide variant.
Coding change: c.1163C>G on transcript NM_001104631.2 (MANE Select); coding-DNA position 1163, C replaced by G.
Protein change: p.Thr388Ser; replaces threonine 388 with serine.
Molecular consequence: missense variant.
Genome position (GRCh38, 1-based): chr5:58,991,857, G>C on the plus strand (C>G on the coding strand, the complement: PDE4D is on the minus strand). VCF-style: chr5-58991857-G-C. GRCh37 (hg19) VCF-style: chr5-58287684-G-C.
Other names: c.980C>G, p.Thr327Ser (NM_001165899.2, NM_001364599.1); c.971C>G, p.Thr324Ser (NM_001197218.2); c.797C>G, p.Thr266Ser (NM_001197219.2); c.773C>G, p.Thr258Ser (NM_001197220.2); c.257C>G, p.Thr86Ser (NM_001197221.2, NM_001364603.1); c.491C>G, p.Thr164Ser (NM_001197222.2); c.290C>G, p.Thr97Ser (NM_001197223.2); c.950C>G, p.Thr317Ser (NM_001349241.2); and 3 more; short protein forms T132S, T164S, T252S, T258S, T266S, T278S, T317S, T324S.
Identifiers: ClinVar variation 4812142 (VCV004812142.1).
Genomic context (GRCh38, chr5:58,991,857, plus strand): 5'-AATATTTATGATCCTGATCTTTGAAATCATCATACCTTGGCAAGGACATCTTCTTGTTCA[G>C]TTTTAACTCCAAACCTTGGGATACTTGAATTAGTCAGACTAGAGCTGTGCATCAATTTCT-3'
Protein context (NP_001098101.1, residues 378-398): NSSIPRFGVK[Thr388Ser]EQEDVLAKEL

ClinVar aggregate classification (germline): Uncertain significance (1 of 4 stars; one submission).

gnomAD v4.1: 1 of 1,546,486 alleles (0.000065%); highest among the groups gnomAD compares: Admixed American, 0.002%; no homozygotes.

Submission:

Labcorp Genetics (formerly Invitae), Labcorp
Classification: Uncertain significance. Last evaluated: 2025-03-25. Review status: criteria provided, single submitter. Criteria: Invitae Variant Classification Sherloc (09022015). Collection method: clinical testing. Allele origin: germline.
Comment: This sequence change replaces threonine, which is neutral and polar, with serine, which is neutral and polar, at codon 388 of the PDE4D protein (p.Thr388Ser). This variant is present in population databases (no rsID available, gnomAD 0.004%). This variant has not been reported in the literature in individuals affected with PDE4D-related conditions. Invitae Evidence Modeling of protein sequence and biophysical properties (such as structural, functional, and spatial information, amino acid conservation, physicochemical variation, residue mobility, and thermodynamic stability) indicates that this missense variant is not expected to disrupt PDE4D protein function with a negative predictive value of 80%. In summary, the available evidence is currently insufficient to determine the role of this variant in disease. Therefore, it has been classified as a Variant of Uncertain Significance.